The following is an entry in ClinVar:

ClinVar aggregate classification (germline): Uncertain significance (1 of 4 stars; one submission).

Conditions:
Cardiovascular phenotype. Identifiers: MedGen CN230736.
Hereditary cancer-predisposing syndrome. Also called: Neoplastic Syndromes, Hereditary; Tumor predisposition; Hereditary Cancer Syndrome; Hereditary neoplastic syndrome. Identifiers: Orphanet 140162, MedGen C0027672, MeSH D009386, MONDO:0015356.

Submission:

Ambry Genetics
Classification: Uncertain significance for Cardiovascular phenotype; Hereditary cancer-predisposing syndrome. Last evaluated: 2017-03-14. Review status: criteria provided, single submitter. Criteria: Ambry Variant Classification Scheme 2023. Collection method: clinical testing. Allele origin: germline.
Comment: The p.V1621E variant (also known as c.4862T>A), located in coding exon 36 of the NF1 gene, results from a T to A substitution at nucleotide position 4862. The valine at codon 1621 is replaced by glutamic acid, an amino acid with dissimilar properties. This amino acid position is highly conserved in available vertebrate species. In addition, this alteration is predicted to be deleterious by in silico analysis. Since supporting evidence is limited at this time, the clinical significance of this alteration remains unclear.

NM_001042492.3(NF1):c.4925T>A (p.Val1642Glu)

Gene: NF1 (neurofibromin 1; plus strand). Cytogenetic location: 17q11.2.
Variant type: single nucleotide variant.
Coding change: c.4925T>A on transcript NM_001042492.3 (MANE Select); coding-DNA position 4925, T replaced by A.
Protein change: p.Val1642Glu; replaces valine 1642 with glutamic acid.
Molecular consequence: missense variant.
Genome position (GRCh38, 1-based): chr17:31,325,909, T>A. VCF-style: chr17-31325909-T-A. GRCh37 (hg19) VCF-style: chr17-29652927-T-A.
Other names: c.4862T>A, p.Val1621Glu (NM_000267.4); short protein forms V1621E, V1642E.
Identifiers: ClinVar variation 484106 (VCV000484106.5), dbSNP rs1555533301, ClinGen allele CA399007123.